The following is an entry in ClinVar:

NM_001365951.3(KIF1B):c.548A>G (p.Lys183Arg)

Gene: KIF1B (kinesin family member 1B; plus strand). Cytogenetic location: 1p36.22.
Variant type: single nucleotide variant.
Coding change: c.548A>G on transcript NM_001365951.3 (MANE Select); coding-DNA position 548, A replaced by G.
Protein change: p.Lys183Arg; replaces lysine 183 with arginine.
Molecular consequence: missense variant.
Genome position (GRCh38, 1-based): chr1:10,267,498, A>G. VCF-style: chr1-10267498-A-G. GRCh37 (hg19) VCF-style: chr1-10327556-A-G.
Other names: c.548A>G, p.Lys183Arg (NM_001365952.1, NM_001365953.1, NM_015074.3 and 1 more transcripts); short protein forms K183R.
Identifiers: ClinVar variation 1747835 (VCV001747835.3), dbSNP rs1170755487, ClinGen allele CA338329675.

ClinVar aggregate classification (germline): Uncertain significance (1 of 4 stars; one submission).

Allele frequency attached by ClinVar (database versions not stated): gnomAD exomes below 0.00001.
gnomAD v4.1: 2 of 1,614,200 alleles (0.00012%); highest among the groups gnomAD compares: Non-Finnish European, 0.00017%; no homozygotes.

Submission:

Ambry Genetics
Classification: Uncertain significance. Last evaluated: 2023-05-03. Review status: criteria provided, single submitter. Criteria: Ambry Variant Classification Scheme 2023. Collection method: clinical testing. Allele origin: germline.
Comment: The p.K183R variant (also known as c.548A>G), located in coding exon 5 of the KIF1B gene, results from an A to G substitution at nucleotide position 548. The lysine at codon 183 is replaced by arginine, an amino acid with highly similar properties. This amino acid position is highly conserved in available vertebrate species. In addition, the in silico prediction for this alteration is inconclusive. The evidence for this gene-disease relationship is limited; therefore, the clinical significance of this alteration is unclear.